The following is an entry in ClinVar:

ClinVar aggregate classification (germline): Likely benign. Review status: criteria provided, multiple submitters, no conflicts (2 of 4 stars). 2 submissions from 2 submitters: Likely benign (2). Last evaluated 2026-05-01.

Allele frequency attached by ClinVar (database versions not stated): gnomAD exomes 0.00012 and 0.00013; ExAC 0.00014; ESP Exome Variant Server 0.00015; gnomAD 0.00034; TOPMed 0.00063; 1000 Genomes Project 0.00120; 1000 Genomes Project 30x 0.00125.
gnomAD v4.1: 238 of 1,614,138 alleles (0.015%); highest among the groups gnomAD compares: African/African-American, 0.069%; no homozygotes.

Submissions (2):

CeGaT Center for Human Genetics Tuebingen
Classification: Likely benign. Last evaluated: 2026-05-01. Review status: criteria provided, single submitter. Criteria: CeGaT Center For Human Genetics Tuebingen Variant Classification Criteria Version 2. Collection method: clinical testing. Allele origin: germline. Affected: yes. Observed: 3 variant alleles.
Comment: KMT2C: BP4, BP7

Labcorp Genetics (formerly Invitae), Labcorp
Classification: Likely benign. Last evaluated: 2025-08-11. Review status: criteria provided, single submitter. Criteria: Invitae Variant Classification Sherloc (09022015). Collection method: clinical testing. Allele origin: germline.

NM_170606.3(KMT2C):c.6609T>C (p.Tyr2203=)

Gene: KMT2C (lysine methyltransferase 2C; minus strand). Cytogenetic location: 7q36.1.
Variant type: single nucleotide variant.
Coding change: c.6609T>C on transcript NM_170606.3 (MANE Select); coding-DNA position 6609, T replaced by C.
Protein change: p.Tyr2203=; no amino-acid change (tyrosine 2203 retained).
Molecular consequence: synonymous variant.
Genome position (GRCh38, 1-based): chr7:152,181,251, A>G on the plus strand (T>C on the coding strand, the complement: KMT2C is on the minus strand). VCF-style: chr7-152181251-A-G. GRCh37 (hg19) VCF-style: chr7-151878336-A-G.
Identifiers: ClinVar variation 1542700 (VCV001542700.30), dbSNP rs145094194, ClinGen allele CA4580043.
Genomic context (GRCh38, chr7:152,181,251, plus strand): 5'-TGCTGGTGGCTGAGAGTAAGGGACAGAAATTCCAGGTCTTGGTGTTCCAGGAGGATGAGC[A>G]TATGGATCAGAATGCCTCTGATTTGTTACAGGTGTAACAAACAAGTCAGTTTGTGTAGAT-3'
Protein context (NP_733751.2, residues 2193-2213): PVTNQRHSDP[Tyr2203=]AHPPGTPRPG